The following is an entry in ClinVar:

NM_001739.2(CA5A):c.340+277G>A

Gene: CA5A (carbonic anhydrase 5A; minus strand). Cytogenetic location: 16q24.2.
Variant type: single nucleotide variant.
Coding change: c.340+277G>A on transcript NM_001739.2 (MANE Select); 277 bases into the intron after coding-DNA position 340, G replaced by A.
Molecular consequence: intron variant.
Genome position (GRCh38, 1-based): chr16:87,926,471, C>T on the plus strand (G>A on the coding strand, the complement: CA5A is on the minus strand). VCF-style: chr16-87926471-C-T. GRCh37 (hg19) VCF-style: chr16-87960077-C-T.
Other names: c.340+277G>A (NM_001367225.1).
Identifiers: ClinVar variation 4538388 (VCV004538388.1).
Genomic context (GRCh38, chr16:87,926,471, plus strand): 5'-GCGCAAAGTGTTCGCATTTCAATGAGCTTGTCTCTTCCTCCCACCCGCTGCAAGGCGAGC[C>T]CCACGGGAAGGGGATTTTCTTTGCTAGGTGCACCTGTGTGCATGCAGGTGCCGGCGGTAT-3'

ClinVar aggregate classification (germline): Uncertain significance (1 of 4 stars; one submission).

gnomAD v4.1: 26 of 152,328 alleles (0.017%); highest among the groups gnomAD compares: African/African-American, 0.063%; no homozygotes.

Submission:

Greenwood Genetic Center Diagnostic Laboratories, Greenwood Genetic Center
Classification: Uncertain significance. Last evaluated: 2025-04-23. Review status: criteria provided, single submitter. Criteria: ACMG Guidelines, 2015. Collection method: clinical testing. Allele origin: germline. Affected: yes.
Comment: PM2